The following is an entry in ClinVar:

NM_000051.4(ATM):c.1340G>A (p.Arg447Gln)

Gene: ATM (ATM serine/threonine kinase; plus strand). Cytogenetic location: 11q22.3.
Variant type: single nucleotide variant.
Coding change: c.1340G>A on transcript NM_000051.4 (MANE Select); coding-DNA position 1340, G replaced by A.
Protein change: p.Arg447Gln; replaces arginine 447 with glutamine.
Molecular consequence: missense variant.
Genome position (GRCh38, 1-based): chr11:108,250,805, G>A. VCF-style: chr11-108250805-G-A. GRCh37 (hg19) VCF-style: chr11-108121532-G-A.
Other names: c.1340G>A, p.Arg447Gln (NM_001351834.2); short protein forms R447Q.
Identifiers: ClinVar variation 230430 (VCV000230430.36), dbSNP rs760676955, ClinGen allele CA6264802.
Genomic context (GRCh38, chr11:108,250,805, plus strand): 5'-TACCTAACTGTGAGCTGTCTCCATTACTGATGATACTATCTCAGCTTCTACCCCAACAGC[G>A]ACATGGGGAACGTACACCATATGTGTTACGATGCCTTACGGAAGTTGCATTGTGTCAAGA-3'
Protein context (NP_000042.3, residues 437-457): MILSQLLPQQ[Arg447Gln]HGERTPYVLR

ClinVar aggregate classification (germline): Conflicting classifications of pathogenicity. Review status: criteria provided, conflicting classifications (1 of 4 stars). 10 submissions from 10 submitters: Uncertain significance (8); Likely benign (1). 1 of the submissions does not count toward it. Last evaluated 2026-02-23.

Conditions:
Hereditary cancer-predisposing syndrome. Also called: Tumor predisposition; Neoplastic Syndromes, Hereditary; Hereditary Cancer Syndrome; Hereditary neoplastic syndrome. Identifiers: Orphanet 140162, MedGen C0027672, MeSH D009386, MONDO:0015356.
Familial cancer of breast. Also called: BREAST CANCER, FAMILIAL; Hereditary breast cancer; hereditary breast carcinoma. Identifiers: Orphanet 227535, MedGen C0346153, MONDO:0016419, OMIM 114480. Disease mechanism: loss of function.
Ataxia-telangiectasia syndrome (AT). Also called: Ataxia-telangiectasia; Ataxia-telangiectasia, complementation group D; AT, COMPLEMENTATION GROUP C; Ataxia telangiectasia (A-T); Cerebello-oculocutaneous telangiectasia; Immunodeficiency with ataxia telangiectasia. Identifiers: Orphanet 100, MedGen C0004135, MONDO:0008840, OMIM 208900.

Allele frequency attached by ClinVar (database versions not stated): gnomAD exomes 0.00001; TOPMed 0.00001; ExAC 0.00002; gnomAD 0.00002.
gnomAD v4.1: 5 of 1,613,606 alleles (0.00031%); highest among the groups gnomAD compares: African/African-American, 0.0053%; no homozygotes.

Submissions (10):

Women's Health and Genetics/Laboratory Corporation of America, LabCorp
Classification: Uncertain significance. Last evaluated: 2026-02-23. Review status: criteria provided, single submitter. Criteria: LabCorp Variant Classification Summary - May 2015. Collection method: clinical testing. Allele origin: germline.
Comment: Variant summary: ATM c.1340G>A (p.Arg447Gln) results in a conservative amino acid change in the encoded protein sequence. Algorithms developed to predict the effect of missense changes on protein structure and function are either unavailable or do not agree on the potential impact of this missense change. The variant allele was found at a frequency of 8e-06 in 251316 control chromosomes. The available data on variant occurrences in the general population are insufficient to allow any conclusion about variant significance. To our knowledge, no occurrence of c.1340G>A in individuals affected with ATM-related conditions and no experimental evidence demonstrating its impact on protein function have been reported. ClinVar contains an entry for this variant (Variation ID: 230430). Based on the evidence outlined above, the variant was classified as uncertain significance.

Labcorp Genetics (formerly Invitae), Labcorp
Classification: Uncertain significance for Ataxia-telangiectasia syndrome. Last evaluated: 2025-12-10. Review status: criteria provided, single submitter. Criteria: Invitae Variant Classification Sherloc (09022015). Collection method: clinical testing. Allele origin: germline.
Comment: This sequence change replaces arginine, which is basic and polar, with glutamine, which is neutral and polar, at codon 447 of the ATM protein (p.Arg447Gln). This variant is present in population databases (rs760676955, gnomAD 0.01%). This variant has not been reported in the literature in individuals affected with ATM-related conditions. ClinVar contains an entry for this variant (Variation ID: 230430). Invitae Evidence Modeling of protein sequence and biophysical properties (such as structural, functional, and spatial information, amino acid conservation, physicochemical variation, residue mobility, and thermodynamic stability) indicates that this missense variant is not expected to disrupt ATM protein function with a negative predictive value of 95%. In summary, the available evidence is currently insufficient to determine the role of this variant in disease. Therefore, it has been classified as a Variant of Uncertain Significance.

Color Diagnostics, LLC DBA Color Health
Classification: Uncertain significance for Hereditary cancer-predisposing syndrome. Last evaluated: 2025-02-24. Review status: criteria provided, single submitter. Criteria: ACMG Guidelines, 2015. Collection method: clinical testing. Allele origin: germline.
Comment: This missense variant replaces arginine with glutamine at codon 447 of the ATM protein. Computational prediction suggests that this variant may not impact protein structure and function. To our knowledge, functional studies have not been reported for this variant. This variant has not been reported in individuals affected with hereditary cancer in the literature. This variant has been identified in 2/251316 chromosomes in the general population by the Genome Aggregation Database (gnomAD). The available evidence is insufficient to determine the role of this variant in disease conclusively. Therefore, this variant is classified as a Variant of Uncertain Significance.

Ambry Genetics
Classification: Likely benign for Hereditary cancer-predisposing syndrome. Last evaluated: 2025-01-09. Review status: criteria provided, single submitter. Criteria: Ambry Variant Classification Scheme 2023. Collection method: clinical testing. Allele origin: germline.

Quest Diagnostics Nichols Institute San Juan Capistrano
Classification: Uncertain significance. Last evaluated: 2024-11-07. Review status: criteria provided, single submitter. Criteria: Quest Diagnostics criteria. Collection method: clinical testing. Allele origin: unknown.
Comment: The ATM c.1340G>A (p.Arg447Gln) variant has not been reported in individuals with ATM-related conditions in the published literature. The frequency of this variant in the general population, 0.000008 (2/251316 chromosomes (Genome Aggregation Database)), is uninformative in the assessment of its pathogenicity. Analysis of this variant using bioinformatics tools for the prediction of the effect of amino acid changes on protein structure and function yielded conflicting predictions that this variant is benign or damaging. Based on the available information, we are unable to determine the clinical significance of this variant.

Baylor Genetics
Classification: Uncertain significance for Familial cancer of breast. Last evaluated: 2024-03-25. Review status: criteria provided, single submitter. Criteria: ACMG Guidelines, 2015. Collection method: clinical testing. Allele origin: unknown.

Sema4
Classification: Uncertain significance for Hereditary cancer-predisposing syndrome. Last evaluated: 2021-07-12. Review status: criteria provided, single submitter. Criteria: Sema4 Curation Guidelines. Collection method: curation. Allele origin: germline.
Comment: The ATM c.1340G>A (p.R447Q) variant has not been reported in the literature to our knowledge. It was observed in 2/16256 chromosomes in the African/ African American subpopulation in the large and broad cohorts of the Genome Aggregation Database (PMID: 32461654). The variant has been reported in ClinVar (Variation ID: 230430). Functional studies have not been performed and in silico tool predictions of the variants effect on protein function are inconclusive. The evidence is insufficient to meet ACMG/AMP criteria for classifying the variant as benign or pathogenic. Thus, the clinical significance of this variant is currently uncertain.

Genetic Services Laboratory, University of Chicago
Classification: Uncertain significance. Last evaluated: 2020-10-05. Review status: criteria provided, single submitter. Criteria: ACMG Guidelines, 2015. Collection method: clinical testing. Allele origin: germline. Affected: no.
Comment: DNA sequence analysis of the ATM gene demonstrated a sequence change, c.1340G>A, in exon 10 that results in an amino acid change, p.Arg447Gln. This sequence change does not appear to have been previously described in patients with ATM-related disorders and has been described in the gnomAD database in two individuals with an overall population frequency of 0.0008% (dbSNP rs760676955). The p.Arg447Gln change affects a moderately conserved amino acid residue located in a domain of the ATM protein that is known to be functional. In-silico pathogenicity prediction tools (SIFT, PolyPhen2, Align GVGD, REVEL) provide contradictory results for the p.Arg447Gln substitution. Due to these contrasting evidences and the lack of functional studies, the clinical significance of the p.Arg447Gln change remains unknown at this time.

GeneDx
Classification: Uncertain significance. Last evaluated: 2019-05-21. Review status: criteria provided, single submitter. Criteria: GeneDx Variant Classification Process June 2021. Collection method: clinical testing. Allele origin: germline. Affected: yes.
Comment: Not observed at a significant frequency in large population cohorts (Lek et al., 2016); In silico analysis, which includes protein predictors and evolutionary conservation, supports that this variant does not alter protein structure/function; Has not been previously published as pathogenic or benign to our knowledge

Natera, Inc.
Classification: Uncertain significance for Ataxia-telangiectasia. Last evaluated: 2020-10-09. Review status: no assertion criteria provided. Collection method: clinical testing. Allele origin: germline. Not counted in ClinVar's aggregate classification.

Literature cited by the submitters: PubMed 38153744 (cited by Quest Diagnostics Nichols Institute San Juan Capistrano).